The following is an entry in ClinVar:

NM_014140.4(SMARCAL1):c.1076A>G (p.Gln359Arg)

Gene: SMARCAL1 (SNF2 related chromatin remodeling annealing helicase 1; plus strand). Cytogenetic location: 2q35.
Variant type: single nucleotide variant.
Coding change: c.1076A>G on transcript NM_014140.4 (MANE Select); coding-DNA position 1076, A replaced by G.
Protein change: p.Gln359Arg; replaces glutamine 359 with arginine.
Molecular consequence: missense variant.
Genome position (GRCh38, 1-based): chr2:216,420,512, A>G. VCF-style: chr2-216420512-A-G. GRCh37 (hg19) VCF-style: chr2-217285235-A-G.
Other names: c.1076A>G, p.Gln359Arg (NM_001127207.2); c.1076A>G (NM_014140.3); short protein forms Q359R.
Identifiers: ClinVar variation 1431825 (VCV001431825.9), dbSNP rs1213884759, ClinGen allele CA350498702.

ClinVar aggregate classification (germline): Uncertain significance. Review status: criteria provided, multiple submitters, no conflicts (2 of 4 stars). 2 submissions from 2 submitters: Uncertain significance (2). Last evaluated 2024-07-30.

Conditions:
Schimke immuno-osseous dysplasia (SIOD). Also called: Schimke Immunoosseous Dysplasia. Identifiers: Orphanet 1830, MedGen C0877024, MONDO:0009458, OMIM 242900.

Allele frequency attached by ClinVar (database versions not stated): gnomAD exomes below 0.00001.
gnomAD v4.1: 1 of 1,613,864 alleles (0.000062%); highest among the groups gnomAD compares: Non-Finnish European, 0.000085%; no homozygotes.

Submissions (2):

GeneDx
Classification: Uncertain significance. Last evaluated: 2024-07-30. Review status: criteria provided, single submitter. Criteria: GeneDx Variant Classification Process June 2021. Collection method: clinical testing. Allele origin: germline. Affected: yes.
Comment: Not observed at significant frequency in large population cohorts (gnomAD); In silico analysis indicates that this missense variant does not alter protein structure/function; Has not been previously published as pathogenic or benign to our knowledge

Labcorp Genetics (formerly Invitae), Labcorp
Classification: Uncertain significance for Schimke immuno-osseous dysplasia. Last evaluated: 2022-10-05. Review status: criteria provided, single submitter. Criteria: Invitae Variant Classification Sherloc (09022015). Collection method: clinical testing. Allele origin: germline.
Comment: This sequence change replaces glutamine, which is neutral and polar, with arginine, which is basic and polar, at codon 359 of the SMARCAL1 protein (p.Gln359Arg). In summary, the available evidence is currently insufficient to determine the role of this variant in disease. Therefore, it has been classified as a Variant of Uncertain Significance. Algorithms developed to predict the effect of sequence changes on RNA splicing suggest that this variant may create or strengthen a splice site. Advanced modeling of protein sequence and biophysical properties (such as structural, functional, and spatial information, amino acid conservation, physicochemical variation, residue mobility, and thermodynamic stability) performed at Invitae indicates that this missense variant is not expected to disrupt SMARCAL1 protein function. ClinVar contains an entry for this variant (Variation ID: 1431825). This variant has not been reported in the literature in individuals affected with SMARCAL1-related conditions. This variant is present in population databases (no rsID available, gnomAD 0.0009%).